The following is an entry in ClinVar:

NM_053025.4(MYLK):c.1076_1077dup (p.Gly360fs)

Gene: MYLK (myosin light chain kinase; minus strand). Cytogenetic location: 3q21.1.
Variant type: Duplication.
Coding change: c.1076_1077dup on transcript NM_053025.4 (MANE Select); coding-DNA positions 1076 to 1077, 2 bases duplicated (CA; older notation c.1076_1077dupCA).
Protein change: p.Gly360fs; shifts the reading frame from glycine 360.
Molecular consequence: frameshift variant.
Genome position (GRCh38, 1-based): chr3:123,733,919-123,733,920, TG duplicated on the plus strand (CA on the coding strand, the reverse complement: MYLK is on the minus strand). VCF-style (leftmost placement, unchanged base first): chr3-123733918-C-CTG. GRCh37 (hg19) VCF-style: chr3-123452765-C-CTG.
Other names: c.1076_1077dupCA (NM_053025.4); c.548_549dup, p.Gly184fs (NM_001321309.2); c.1076_1077dup, p.Gly360fs (NM_053026.4, NM_053027.4, NM_053028.4); short protein forms G360fs, G184fs.
Identifiers: ClinVar variation 2025708 (VCV002025708.5), dbSNP rs2474564027, ClinGen allele CA2580068661.

ClinVar aggregate classification (germline): Conflicting classifications of pathogenicity. Review status: criteria provided, conflicting classifications (1 of 4 stars). 2 submissions from 2 submitters: Pathogenic (1); Uncertain significance (1). Last evaluated 2024-10-07.

Conditions:
Aortic aneurysm, familial thoracic 7 (AAT7). Also called: AORTIC DISSECTION, FAMILIAL, WITH OR WITHOUT AORTIC ANEURYSM. Identifiers: MedGen C3151077, MONDO:0013418, OMIM 613780.
Megacystis-Microcolon Hypoperistalsis Syndrome 1.

Submissions (2):

Women's Health and Genetics/Laboratory Corporation of America, LabCorp
Classification: Pathogenic for Megacystis-Microcolon Hypoperistalsis Syndrome 1. Last evaluated: 2024-10-07. Review status: criteria provided, single submitter. Criteria: LabCorp Variant Classification Summary - May 2015. Collection method: clinical testing. Allele origin: germline.
Comment: Variant summary: MYLK c.1076_1077dupCA (p.Gly360GlnfsX37) results in a premature termination codon, predicted to cause a truncation of the encoded protein or absence of the protein due to nonsense mediated decay, which are commonly known mechanisms for disease. The variant was absent in 249504 control chromosomes. This variant has not been reported in individuals affected with MYLK-related conditions. ClinVar contains an entry for this variant (Variation ID: 2025708). To our knowledge, this variant has not been reported in patients with autosomal dominant familial thoracic aortic aneurysm and aortic dissection and/or aortopathy. Based on the evidence outlined above, this variant is pathogenic for autosomal recessive megacystis-microcolon-intestinal hypoperistalsis syndrome.

Labcorp Genetics (formerly Invitae), Labcorp
Classification: Uncertain significance for Aortic aneurysm, familial thoracic 7. Last evaluated: 2022-09-11. Review status: criteria provided, single submitter. Criteria: Invitae Variant Classification Sherloc (09022015). Collection method: clinical testing. Allele origin: germline.
Comment: In summary, the available evidence is currently insufficient to determine the role of this variant in disease. Therefore, it has been classified as a Variant of Uncertain Significance. This variant has not been reported in the literature in individuals affected with MYLK-related conditions. This variant is not present in population databases (gnomAD no frequency). This sequence change creates a premature translational stop signal (p.Gly360Glnfs*37) in the MYLK gene. This variant occurs in the long isoform of MYLK (PMID: 21055718). The current clinical and genetic evidence is not sufficient to establish whether loss-of-function variants in the long isoform of MYLK cause disease.

Literature cited by the submitters: PubMed 21055718 (cited by Labcorp Genetics (formerly Invitae), Labcorp).